The following is an entry in ClinVar:

ClinVar aggregate classification (germline): Uncertain significance (1 of 4 stars; one submission).

Conditions:
Neurofibromatosis, type 1 (NF1). Also called: VON RECKLINGHAUSEN DISEASE; Neurofibromatosis, type I; NEUROFIBROMATOSIS, TYPE I, SOMATIC; Peripheral type neurofibromatosis. Identifiers: Orphanet 636, MedGen C0027831, MONDO:0018975, OMIM 162200. Disease mechanism: loss of function.

Submission:

Labcorp Genetics (formerly Invitae), Labcorp
Classification: Uncertain significance for Neurofibromatosis, type 1. Last evaluated: 2020-03-11. Review status: criteria provided, single submitter. Criteria: Invitae Variant Classification Sherloc (09022015). Collection method: clinical testing. Allele origin: germline.
Comment: This sequence change replaces isoleucine with leucine at codon 2109 of the NF1 protein (p.Ile2109Leu). The isoleucine residue is moderately conserved and there is a small physicochemical difference between isoleucine and leucine. In summary, the available evidence is currently insufficient to determine the role of this variant in disease. Therefore, it has been classified as a Variant of Uncertain Significance. Algorithms developed to predict the effect of missense changes on protein structure and function are either unavailable or do not agree on the potential impact of this missense change (SIFT: "Tolerated"; PolyPhen-2: "Possibly Damaging"; Align-GVGD: "Class C0"). This variant has not been reported in the literature in individuals with NF1-related conditions. This variant is not present in population databases (ExAC no frequency).

NM_001042492.3(NF1):c.6388A>C (p.Ile2130Leu)

Gene: NF1 (neurofibromin 1; plus strand). Cytogenetic location: 17q11.2.
Variant type: single nucleotide variant.
Coding change: c.6388A>C on transcript NM_001042492.3 (MANE Select); coding-DNA position 6388, A replaced by C.
Protein change: p.Ile2130Leu; replaces isoleucine 2130 with leucine.
Molecular consequence: missense variant.
Genome position (GRCh38, 1-based): chr17:31,336,875, A>C. VCF-style: chr17-31336875-A-C. GRCh37 (hg19) VCF-style: chr17-29663893-A-C.
Other names: c.6325A>C, p.Ile2109Leu (NM_000267.4); short protein forms I2109L, I2130L.
Identifiers: ClinVar variation 1018478 (VCV001018478.5), dbSNP rs2069690351, ClinGen allele CA399012880.
Genomic context (GRCh38, chr17:31,336,875, plus strand): 5'-TTAGTAGCCACAGGTCCGCTCTCCCTTAGAGCTTCCACACATGGACTGGTCATTAATATC[A>C]TTCACTCTCTGTGTACTTGTTCACAGCTTCATTTTAGTGGTAAGTTCTAGGAAAGGAATT-3'
Protein context (NP_001035957.1, residues 2120-2140): ASTHGLVINI[Ile2130Leu]HSLCTCSQLH